The following is an entry in ClinVar:

ClinVar aggregate classification (germline): Pathogenic (1 of 4 stars; one submission).

Conditions:
Familial cancer of breast. Also called: BREAST CANCER, FAMILIAL; hereditary breast carcinoma; Hereditary breast cancer. Identifiers: Orphanet 227535, MedGen C0346153, MONDO:0016419, OMIM 114480. Disease mechanism: loss of function.

Submission:

The Central Laboratory of Birth Defects Prevention and Control, The Affiliated Women and Children's Hospital of Ningbo University
Classification: Pathogenic for Familial cancer of breast. Last evaluated: 2024-09-20. Review status: criteria provided, single submitter. Criteria: ACMG Guidelines, 2015. Collection method: clinical testing. Allele origin: germline. Affected: yes.
Comment: The results of exome sequencing revealed that c.6696-2A>C presented， a de novo variant, in the ZNF462 gene, specifically, a classic splice site variant. This particular variant, which is not found in the gnomAD database (PM2_Supporting), may have implications for mRNA splicing and protein function (PVS1). Based on the ACMG standards and guidelines(PMID:25741868), this variant was assessed as pathogenic

NM_021224.6(ZNF462):c.6696-2A>C

Gene: ZNF462 (zinc finger protein 462; plus strand). Cytogenetic location: 9q31.2.
Variant type: single nucleotide variant.
Coding change: c.6696-2A>C on transcript NM_021224.6 (MANE Select); the canonical splice acceptor site of the intron before coding-DNA position 6696, A replaced by C.
Molecular consequence: splice acceptor variant.
Genome position (GRCh38, 1-based): chr9:106,974,135, A>C. VCF-style: chr9-106974135-A-C. GRCh37 (hg19) VCF-style: chr9-109736416-A-C.
Other names: c.4101-2A>C (NM_001347997.2).
Identifiers: ClinVar variation 3342256 (VCV003342256.1).